The following is an entry in ClinVar:

ClinVar aggregate classification (germline): Benign/Likely benign. Review status: criteria provided, multiple submitters, no conflicts (2 of 4 stars). 3 submissions from 3 submitters: Benign (1); Likely benign (2). Last evaluated 2026-08-01.

Conditions:
Retinoblastoma (RB1). Also called: RETINOBLASTOMA, SOMATIC. Identifiers: Orphanet 790, MedGen C0035335, MeSH D012175, MONDO:0008380, OMIM 180200, HP:0009919. Disease mechanism: loss of function. Inheritance: Both sporadic and heritable forms are tested..

Allele frequency attached by ClinVar (database versions not stated): TOPMed 0.00068; gnomAD 0.00070; ExAC 0.00158; 1000 Genomes Project 0.00180; 1000 Genomes Project 30x 0.00187; gnomAD exomes 0.00037.
gnomAD v4.1: 620 of 1,447,520 alleles (0.043%); highest among the groups gnomAD compares: Middle Eastern, 0.35%; 1 homozygote.

Submissions (3):

CeGaT Center for Human Genetics Tuebingen
Classification: Likely benign. Last evaluated: 2026-08-01. Review status: criteria provided, single submitter. Criteria: CeGaT Center For Human Genetics Tuebingen Variant Classification Criteria Version 2. Collection method: clinical testing. Allele origin: germline. Affected: yes. Observed: 7 variant alleles.
Comment: RB1: BS1

Myriad Genetics, Inc.
Classification: Benign for Retinoblastoma. Last evaluated: 2026-06-24. Review status: criteria provided, single submitter. Criteria: Myriad Autosomal Dominant, Autosomal Recessive and X-Linked Classification Criteria (2023). Collection method: clinical testing. Allele origin: unknown.
Comment: This variant is considered benign. This variant is intronic and is not expected to impact mRNA splicing.

Blueprint Genetics
Classification: Likely benign. Last evaluated: 2024-10-24. Review status: criteria provided, single submitter. Criteria: ACMG Guidelines, 2015. Collection method: clinical testing. Allele origin: germline.

NM_000321.3(RB1):c.1421+27T>A

Gene: RB1 (RB transcriptional corepressor 1; plus strand). Cytogenetic location: 13q14.2.
Variant type: single nucleotide variant.
Coding change: c.1421+27T>A on transcript NM_000321.3 (MANE Select); 27 bases into the intron after coding-DNA position 1421, T replaced by A.
Molecular consequence: intron variant.
Genome position (GRCh38, 1-based): chr13:48,380,111, T>A. VCF-style: chr13-48380111-T-A. GRCh37 (hg19) VCF-style: chr13-48954247-T-A.
Other names: c.1421+27T>A (NM_001407165.1, NM_001407166.1).
Identifiers: ClinVar variation 2578704 (VCV002578704.26), dbSNP rs527912551, ClinGen allele CA028722.
Genomic context (GRCh38, chr13:48,380,111, plus strand): 5'-AGGAAGAAGAACGATTATCCATTCAAAATTTTAGGTAAATTTTTTACTTTTAGTAAAAAA[T>A]TTTTTTCTTTTTATAGAAGTAAGTATTTTATAATCTTTTTTTTTTTCCTTTAGCAAACTT-3'